The following is an entry in ClinVar:

NM_003482.4(KMT2D):c.4927G>A (p.Gly1643Arg)

Gene: KMT2D (lysine methyltransferase 2D; minus strand). Cytogenetic location: 12q13.12.
Variant type: single nucleotide variant.
Coding change: c.4927G>A on transcript NM_003482.4 (MANE Select); coding-DNA position 4927, G replaced by A.
Protein change: p.Gly1643Arg; replaces glycine 1643 with arginine.
Molecular consequence: missense variant.
Genome position (GRCh38, 1-based): chr12:49,044,780, C>T on the plus strand (G>A on the coding strand, the complement: KMT2D is on the minus strand). VCF-style: chr12-49044780-C-T. GRCh37 (hg19) VCF-style: chr12-49438563-C-T.
Other names: short protein forms G1643R.
Identifiers: ClinVar variation 2910936 (VCV002910936.3), dbSNP rs1943707185, ClinGen allele CA384639632.

ClinVar aggregate classification (germline): Uncertain significance (1 of 4 stars; one submission).

Conditions:
Kabuki syndrome. Also called: Kabuki make-up syndrome; NIIKAWA-KUROKI SYNDROME. Identifiers: Orphanet 2322, MedGen C0796004, MONDO:0016512.

Allele frequency attached by ClinVar (database versions not stated): gnomAD exomes below 0.00001.
gnomAD v4.1: 1 of 1,614,002 alleles (0.000062%); highest among the groups gnomAD compares: East Asian, 0.0022%; no homozygotes.

Submission:

Labcorp Genetics (formerly Invitae), Labcorp
Classification: Uncertain significance for Kabuki syndrome. Last evaluated: 2025-07-28. Review status: criteria provided, single submitter. Criteria: Invitae Variant Classification Sherloc (09022015). Collection method: clinical testing. Allele origin: germline.
Comment: This sequence change replaces glycine, which is neutral and non-polar, with arginine, which is basic and polar, at codon 1643 of the KMT2D protein (p.Gly1643Arg). This variant is not present in population databases (gnomAD no frequency). This variant has not been reported in the literature in individuals affected with KMT2D-related conditions. ClinVar contains an entry for this variant (Variation ID: 2910936). Invitae Evidence Modeling of protein sequence and biophysical properties (such as structural, functional, and spatial information, amino acid conservation, physicochemical variation, residue mobility, and thermodynamic stability) indicates that this missense variant is not expected to disrupt KMT2D protein function with a negative predictive value of 95%. In summary, the available evidence is currently insufficient to determine the role of this variant in disease. Therefore, it has been classified as a Variant of Uncertain Significance.